The following is an entry in ClinVar:

NM_000520.6(HEXA):c.912CTT[1] (p.Phe305del)

Gene: HEXA (hexosaminidase subunit alpha; minus strand). Cytogenetic location: 15q23.
Variant type: Microsatellite.
Coding change: c.912CTT[1] on transcript NM_000520.6 (MANE Select); one copy of the 3-base unit CTT starting at c.912; the reference has two copies in a row; one copy, 3 bases deleted; also written c.915_917del.
Protein change: p.Phe305del; deletes phenylalanine 305.
Molecular consequence: inframe deletion. On other transcripts: non-coding transcript variant (1).
Genome position (GRCh38, 1-based): chr15:72,349,148-72,349,150, AAG deleted on the plus strand (CTT on the coding strand, the reverse complement: HEXA is on the minus strand); deleting any 3 consecutive bases within chr15:72,349,148-72,349,155 gives the same sequence; the position shown is the placement nearest the transcript's 3' end. VCF-style (leftmost placement, unchanged base first): chr15-72349147-TAAG-T. GRCh37 (hg19) VCF-style: chr15-72641488-TAAG-T.
Other names: F304del; F304delF; c.915_917delCTT (NM_000520.5); c.915_917del (NM_000520.4, NM_000520.6); c.945CTT[1], p.Phe316del (NM_001318825.2); short protein forms F305del, F316del.
Identifiers: ClinVar variation 188812 (VCV000188812.190), dbSNP rs121907960, ClinGen allele CA252911.

ClinVar aggregate classification (germline): Pathogenic. Review status: criteria provided, multiple submitters, no conflicts (2 of 4 stars). 8 submissions from 8 submitters: Pathogenic (6). 2 of the submissions do not count toward it. Last evaluated 2025-11-25.

Conditions:
Inborn genetic diseases. Identifiers: MedGen C0950123, MeSH D030342.
Hereditary ataxia. Also called: Hereditary Ataxias. Identifiers: Orphanet 183518, MedGen C0004138, MONDO:0100309, MONDO:0000557.
Tay-Sachs disease (TSD). Also called: HEXA Disorders; Hexosaminidase A Deficiency; HEXA DEFICIENCY; GM2 gangliosidosis, type 1; Hexosaminidase alpha-subunit deficiency (variant B); Sphingolipidosis, Tay-Sachs. Identifiers: Orphanet 845, MedGen C0039373, MONDO:0010100, OMIM 272800.

Submissions (8):

Natera, Inc.
Classification: Pathogenic for Tay-Sachs disease. Last evaluated: 2025-11-25. Review status: criteria provided, single submitter. Criteria: Natera Variant Classification Schema (03/2026). Collection method: clinical testing. Allele origin: germline.
Comment: The c.915_917delCTT variant in HEXA is an in-frame deletion predicted to remove phenylalanine at amino acid 305 while preserving the reading frame. This variant is rare in the general population with a frequency below the threshold expected for the associated phenotype(s). This variant has been observed in one or more individuals affected with the associated recessive disease, as either homozygous or compound heterozygous with a second variant (PMID: 16088929). This variant results in a change to the protein length while preserving reading frame, which may disrupt normal protein structure or function. Computational prediction algorithms indicate this variant is likely to affect gene or protein function. Given the available evidence, this variant is classified as Pathogenic.

Labcorp Genetics (formerly Invitae), Labcorp
Classification: Pathogenic for Tay-Sachs disease. Last evaluated: 2025-07-15. Review status: criteria provided, single submitter. Criteria: Invitae Variant Classification Sherloc (09022015). Collection method: clinical testing. Allele origin: germline.
Comment: This variant, c.915_917del, results in the deletion of 1 amino acid(s) of the HEXA protein (p.Phe305del), but otherwise preserves the integrity of the reading frame. This variant is present in population databases (rs778155650, gnomAD 0.03%). This variant has been observed in individual(s) with Tay-Sachs disease (PMID: 1322637, 1825014, 1837283, 16088929). It is commonly reported in individuals of Moroccan ancestry (PMID: 1322637, 1825014). This variant is also known as p.F304del. ClinVar contains an entry for this variant (Variation ID: 188812). Algorithms developed to predict the effect of variants on gene product structure and function are not available or were not evaluated for this variant. Experimental studies have shown that this variant affects HEXA function (PMID: 1825014). For these reasons, this variant has been classified as Pathogenic.

GeneDx
Classification: Pathogenic. Last evaluated: 2024-11-12. Review status: criteria provided, single submitter. Criteria: GeneDx Variant Classification Process June 2021. Collection method: clinical testing. Allele origin: germline. Affected: yes.
Comment: Transfection in COS-1 cells of the mutant protein demonstrated an impairment in the alpha subunit of beta-hexosaminidase A, resulting in an absence of enzyme activity (PMID: 1825014); In-frame deletion of 1 amino acid in a non-repeat region predicted to critically alter the protein; In silico analysis supports a deleterious effect on protein structure/function; This variant is associated with the following publications: (PMID: 1322637, 16088929, 22789865, 1837283, 1825014)

Women's Health and Genetics/Laboratory Corporation of America, LabCorp
Classification: Pathogenic for Tay-Sachs disease. Last evaluated: 2021-08-16. Review status: criteria provided, single submitter. Criteria: LabCorp Variant Classification Summary - May 2015. Collection method: clinical testing. Allele origin: germline.
Comment: Variant summary: HEXA c.915_917delCTT (p.Phe305del) results in an in-frame deletion that is predicted to remove one amino acid from the encoded protein. The variant allele was found at a frequency of 6.8e-05 in 251444 control chromosomes. This frequency is not significantly higher than expected for a pathogenic variant in HEXA causing Tay-Sachs Disease (6.8e-05 vs 0.0014), allowing no conclusion about variant significance. c.915_917delCTT has been reported in the literature in multiple individuals affected with Tay-Sachs Disease, and has been reported as a common mutation in the Moroccan population (Navon_1991, Akli_1991, Montalvo_2005). These data indicate that the variant is very likely to be associated with disease. At least one publication reports experimental evidence evaluating an impact on protein function. The variant was reported to render the alpha-subunit enzymatically inactive (Montalvo_2005). Three clinical diagnostic laboratories have submitted clinical-significance assessments for this variant to ClinVar after 2014 without evidence for independent evaluation. All laboratories classified the variant as pathogenic. Based on the evidence outlined above, the variant was classified as pathogenic.

AURAGEN, Plan France Médecine Génomique
Classification: Pathogenic for Hereditary ataxia. Last evaluated: 2021-03-04. Review status: criteria provided, single submitter. Criteria: PFMG2025 (Lancet Reg Health Eur. 2025). Collection method: clinical testing. Allele origin: germline. Affected: yes.

Ambry Genetics
Classification: Pathogenic for Inborn genetic diseases. Last evaluated: 2017-07-25. Review status: criteria provided, single submitter. Criteria: Ambry exome assertion method (8-5-2015). Collection method: clinical testing. Allele origin: germline. Affected: yes. Observed: 1 variant allele.

Counsyl
Classification: Likely pathogenic for Tay-Sachs disease. Last evaluated: 2014-06-05. Review status: no assertion criteria provided. Collection method: literature only. Allele origin: unknown. Inheritance: Autosomal recessive inheritance. Not counted in ClinVar's aggregate classification.

OMIM
Classification: Pathogenic for TAY-SACHS DISEASE. Last evaluated: 1992-08-01. Review status: no assertion criteria provided. Collection method: literature only. Allele origin: germline. Not counted in ClinVar's aggregate classification.

Literature cited by the submitters: PubMed 16088929 (cited by 5 submitters); PubMed 1322637 (cited by 4 submitters); PubMed 1825014 (cited by 5 submitters); PubMed 1837283 (cited by 4 submitters).